The following is an entry in ClinVar:

ClinVar aggregate classification (germline): Pathogenic (0 of 4 stars; one submission).

Conditions:
Developmental and epileptic encephalopathy, 2 (DEE2). Also called: CDKL5 deficiency disorder; INFANTILE SPASM SYNDROME, X-LINKED 2. Identifiers: Orphanet 1934, Orphanet 3451, Orphanet 505652, MedGen C4750718, MONDO:0010396, OMIM 300672.

Submission:

Undiagnosed Diseases Network, NIH
Classification: Pathogenic for Developmental and epileptic encephalopathy, 2. Last evaluated: 2020-02-07. Review status: no assertion criteria provided. Collection method: clinical testing. Allele origin: de novo. Inheritance: X-linked dominant inheritance. Affected: yes. Observed: 1 variant allele, 1 hemizygote. Study: Undiagnosed Diseases Network (NIH), UDN.

NC_000023.11:g.18419574_18504791del

Genes: CDKL5 (cyclin dependent kinase like 5; plus strand), LOC121853052 (Sharpr-MPRA regulatory region 2020; plus strand), LOC130067999 (ATAC-STARR-seq lymphoblastoid silent region 20685; plus strand). Cytogenetic location: Xp22.13.
Variant type: Deletion.
Identifiers: ClinVar variation 988898 (VCV000988898.3).